The following is an entry in ClinVar:

ClinVar aggregate classification (germline): Uncertain significance. Review status: criteria provided, multiple submitters, no conflicts (2 of 4 stars). 4 submissions from 4 submitters: Uncertain significance (4). Last evaluated 2025-03-18.

Conditions:
ATM-related disorder. Also called: ATM-related disorders; ATM-related condition.
Hereditary cancer-predisposing syndrome. Also called: Tumor predisposition; Hereditary Cancer Syndrome; Neoplastic Syndromes, Hereditary; Hereditary neoplastic syndrome. Identifiers: Orphanet 140162, MedGen C0027672, MeSH D009386, MONDO:0015356.
Ataxia-telangiectasia syndrome (AT). Also called: LOUIS-BAR SYNDROME; Cerebello-oculocutaneous telangiectasia; Immunodeficiency with ataxia telangiectasia; ATAXIA-TELANGIECTASIA, COMPLEMENTATION GROUP A; ATAXIA-TELANGIECTASIA, FRESNO VARIANT; Ataxia-telangiectasia. Identifiers: Orphanet 100, MedGen C0004135, MONDO:0008840, OMIM 208900.

Allele frequency attached by ClinVar (database versions not stated): gnomAD exomes below 0.00001; TOPMed 0.00001.
gnomAD v4.1: 1 of 1,613,372 alleles (0.000062%); highest among the groups gnomAD compares: African/African-American, 0.0013%; no homozygotes.

Submissions (4):

Labcorp Genetics (formerly Invitae), Labcorp
Classification: Uncertain significance for Ataxia-telangiectasia syndrome. Last evaluated: 2025-03-18. Review status: criteria provided, single submitter. Criteria: Invitae Variant Classification Sherloc (09022015). Collection method: clinical testing. Allele origin: germline.
Comment: This sequence change replaces tyrosine, which is neutral and polar, with cysteine, which is neutral and slightly polar, at codon 947 of the ATM protein (p.Tyr947Cys). This variant is not present in population databases (gnomAD no frequency). This variant has not been reported in the literature in individuals affected with ATM-related conditions. ClinVar contains an entry for this variant (Variation ID: 127359). An algorithm developed to predict the effect of missense changes on protein structure and function (PolyPhen-2) suggests that this variant is likely to be disruptive. In summary, the available evidence is currently insufficient to determine the role of this variant in disease. Therefore, it has been classified as a Variant of Uncertain Significance.

Ambry Genetics
Classification: Uncertain significance for Hereditary cancer-predisposing syndrome. Last evaluated: 2024-09-06. Review status: criteria provided, single submitter. Criteria: Ambry Variant Classification Scheme 2023. Collection method: clinical testing. Allele origin: germline.
Comment: The p.Y947C variant (also known as c.2840A>G), located in coding exon 18 of the ATM gene, results from an A to G substitution at nucleotide position 2840. The tyrosine at codon 947 is replaced by cysteine, an amino acid with highly dissimilar properties. This amino acid position is highly conserved in available vertebrate species. In addition, the in silico prediction for this alteration is inconclusive. Based on the available evidence, the clinical significance of this variant remains unclear.

PreventionGenetics, part of Exact Sciences
Classification: Uncertain significance for ATM-related condition. Last evaluated: 2023-08-24. Review status: criteria provided, single submitter. Criteria: ACMG Guidelines, 2015. Collection method: clinical testing. Allele origin: germline.
Comment: The ATM c.2840A>G variant is predicted to result in the amino acid substitution p.Tyr947Cys. To our knowledge, this variant has not been reported in literature. This variant is not present in a large population database and has been interpreted as a variant of uncertain significance in the ClinVar database. At this time, the clinical significance of this variant is uncertain due to the absence of conclusive functional and genetic evidence.

GeneDx
Classification: Uncertain significance. Last evaluated: 2022-01-19. Review status: criteria provided, single submitter. Criteria: GeneDx Variant Classification Process June 2021. Collection method: clinical testing. Allele origin: germline. Affected: yes.
Comment: Not observed at significant frequency in large population cohorts (gnomAD); In silico analysis supports that this missense variant has a deleterious effect on protein structure/function; Has not been previously published as pathogenic or benign to our knowledge

NM_000051.4(ATM):c.2840A>G (p.Tyr947Cys)

Gene: ATM (ATM serine/threonine kinase; plus strand). Cytogenetic location: 11q22.3.
Variant type: single nucleotide variant.
Coding change: c.2840A>G on transcript NM_000051.4 (MANE Select); coding-DNA position 2840, A replaced by G.
Protein change: p.Tyr947Cys; replaces tyrosine 947 with cysteine.
Molecular consequence: missense variant.
Genome position (GRCh38, 1-based): chr11:108,271,065, A>G. VCF-style: chr11-108271065-A-G. GRCh37 (hg19) VCF-style: chr11-108141792-A-G.
Other names: p.Y947C:TAT>TGT; c.2840A>G, p.Tyr947Cys (NM_001351834.2); short protein forms Y947C.
Identifiers: ClinVar variation 127359 (VCV000127359.17), dbSNP rs587779827, ClinGen allele CA286779.